The following is an entry in ClinVar:

ClinVar aggregate classification (germline): Uncertain significance (1 of 4 stars; one submission).

Allele frequency attached by ClinVar (database versions not stated): gnomAD exomes below 0.00001; ExAC 0.00002.
gnomAD v4.1: 2 of 1,613,944 alleles (0.00012%); highest among the groups gnomAD compares: Admixed American, 0.0033%; no homozygotes.

Submission:

Labcorp Genetics (formerly Invitae), Labcorp
Classification: Uncertain significance. Last evaluated: 2022-11-22. Review status: criteria provided, single submitter. Criteria: Invitae Variant Classification Sherloc (09022015). Collection method: clinical testing. Allele origin: germline.
Comment: This sequence change falls in intron 4 of the GNPTG gene. It does not directly change the encoded amino acid sequence of the GNPTG protein. It affects a nucleotide within the consensus splice site. In summary, the available evidence is currently insufficient to determine the role of this variant in disease. Therefore, it has been classified as a Variant of Uncertain Significance. Variants that disrupt the consensus splice site are a relatively common cause of aberrant splicing (PMID: 17576681, 9536098). Algorithms developed to predict the effect of sequence changes on RNA splicing suggest that this variant is not likely to affect RNA splicing. This variant has not been reported in the literature in individuals affected with GNPTG-related conditions. This variant is present in population databases (rs757318601, gnomAD 0.006%).

Literature cited by the submitters: PubMed 17576681; PubMed 9536098.

NM_032520.5(GNPTG):c.234-3C>T

Gene: GNPTG (N-acetylglucosamine-1-phosphate transferase subunit gamma; plus strand). Cytogenetic location: 16p13.3.
Variant type: single nucleotide variant.
Coding change: c.234-3C>T on transcript NM_032520.5 (MANE Select); 3 bases into the intron before coding-DNA position 234, C replaced by T.
Molecular consequence: intron variant.
Genome position (GRCh38, 1-based): chr16:1,361,869, C>T. VCF-style: chr16-1361869-C-T. GRCh37 (hg19) VCF-style: chr16-1411870-C-T.
Identifiers: ClinVar variation 1896054 (VCV001896054.5), dbSNP rs757318601, ClinGen allele CA7807560.